The following is an entry in ClinVar:

ClinVar aggregate classification (germline): Uncertain significance (1 of 4 stars; one submission).

Submission:

Ambry Genetics
Classification: Uncertain significance. Last evaluated: 2021-11-03. Review status: criteria provided, single submitter. Criteria: Ambry Variant Classification Scheme 2023. Collection method: clinical testing. Allele origin: germline.
Comment: The p.I949F variant (also known as c.2845A>T), located in coding exon 14 of the NPAT gene, results from an A to T substitution at nucleotide position 2845. The isoleucine at codon 949 is replaced by phenylalanine, an amino acid with highly similar properties. This amino acid position is conserved. In addition, this alteration is predicted to be tolerated by in silico analysis. Since supporting evidence is limited at this time, the clinical significance of this alteration remains unclear.

NM_002519.3(NPAT):c.2845A>T (p.Ile949Phe)

Gene: NPAT (nuclear protein, coactivator of histone transcription; minus strand). Cytogenetic location: 11q22.3.
Variant type: single nucleotide variant.
Coding change: c.2845A>T on transcript NM_002519.3 (MANE Select); coding-DNA position 2845, A replaced by T.
Protein change: p.Ile949Phe; replaces isoleucine 949 with phenylalanine.
Molecular consequence: missense variant.
Genome position (GRCh38, 1-based): chr11:108,169,984, T>A on the plus strand (A>T on the coding strand, the complement: NPAT is on the minus strand). VCF-style: chr11-108169984-T-A. GRCh37 (hg19) VCF-style: chr11-108040711-T-A.
Other names: c.2845A>T, p.Ile949Phe (NM_001321307.1); short protein forms I949F.
Identifiers: ClinVar variation 1796763 (VCV001796763.2), dbSNP rs2496711386, ClinGen allele CA382512106.